The following is an entry in ClinVar:

NM_013372.7(GREM1):c.232C>G (p.Gln78Glu)

Gene: GREM1 (gremlin 1, DAN family BMP antagonist; plus strand). Cytogenetic location: 15q13.3.
Variant type: single nucleotide variant.
Coding change: c.232C>G on transcript NM_013372.7 (MANE Select); coding-DNA position 232, C replaced by G.
Protein change: p.Gln78Glu; replaces glutamine 78 with glutamic acid.
Molecular consequence: missense variant. On other transcripts: intron variant (2).
Genome position (GRCh38, 1-based): chr15:32,730,922, C>G. VCF-style: chr15-32730922-C-G. GRCh37 (hg19) VCF-style: chr15-33023123-C-G.
Other names: c.232C>G, p.Gln78Glu (NM_001368719.1); c.115-6C>G (NM_001191323.2); c.28-6C>G (NM_001191322.2); short protein forms Q78E.
Identifiers: ClinVar variation 3226257 (VCV003226257.1), dbSNP rs2548707664, ClinGen allele CA391557469.

ClinVar aggregate classification (germline): Uncertain significance (1 of 4 stars; one submission).

Conditions:
Hereditary cancer-predisposing syndrome. Also called: Neoplastic Syndromes, Hereditary; Tumor predisposition; Hereditary neoplastic syndrome; Hereditary Cancer Syndrome. Identifiers: Orphanet 140162, MedGen C0027672, MeSH D009386, MONDO:0015356.

Submission:

Ambry Genetics
Classification: Uncertain significance for Hereditary cancer-predisposing syndrome. Last evaluated: 2023-10-28. Review status: criteria provided, single submitter. Criteria: Ambry Variant Classification Scheme 2023. Collection method: clinical testing. Allele origin: germline.
Comment: The p.Q78E variant (also known as c.232C>G), located in coding exon 1 of the GREM1 gene, results from a C to G substitution at nucleotide position 232. The glutamine at codon 78 is replaced by glutamic acid, an amino acid with highly similar properties. This amino acid position is conserved. In addition, the in silico prediction for this alteration is inconclusive. Since supporting evidence is limited at this time, the clinical significance of this alteration remains unclear.